The following is an entry in ClinVar:

ClinVar aggregate classification (germline): Conflicting classifications of pathogenicity. Review status: criteria provided, conflicting classifications (1 of 4 stars). 3 submissions from 3 submitters: Uncertain significance (2); Likely benign (1). Last evaluated 2026-04-15.

Conditions:
Hereditary cancer-predisposing syndrome. Also called: Tumor predisposition; Hereditary Cancer Syndrome; Neoplastic Syndromes, Hereditary; Hereditary neoplastic syndrome. Identifiers: Orphanet 140162, MedGen C0027672, MeSH D009386, MONDO:0015356.

Submissions (3):

Ambry Genetics
Classification: Uncertain significance for Hereditary cancer-predisposing syndrome. Last evaluated: 2026-04-15. Review status: criteria provided, single submitter. Criteria: Ambry Variant Classification Scheme 2023. Collection method: clinical testing. Allele origin: germline.
Comment: The c.2469-5C>T intronic variant results from a C to T substitution 5 nucleotides upstream from coding exon 22 in the POLE gene. This nucleotide position is not well conserved in available vertebrate species. In silico splice site analysis predicts that this alteration will not have any significant effect on splicing. Based on the available evidence, the clinical significance of this variant remains unclear.

Labcorp Genetics (formerly Invitae), Labcorp
Classification: Likely benign. Last evaluated: 2021-10-07. Review status: criteria provided, single submitter. Criteria: Invitae Variant Classification Sherloc (09022015). Collection method: clinical testing. Allele origin: germline.

Quest Diagnostics Nichols Institute San Juan Capistrano
Classification: Uncertain significance. Last evaluated: 2018-02-07. Review status: criteria provided, single submitter. Criteria: Quest Diagnostics criteria. Collection method: clinical testing. Allele origin: germline.

NM_006231.4(POLE):c.2469-5C>T

Gene: POLE (DNA polymerase epsilon, catalytic subunit; minus strand). Cytogenetic location: 12q24.33.
Variant type: single nucleotide variant.
Coding change: c.2469-5C>T on transcript NM_006231.4 (MANE Select); 5 bases into the intron before coding-DNA position 2469, C replaced by T.
Molecular consequence: intron variant.
Genome position (GRCh38, 1-based): chr12:132,664,467, G>A on the plus strand (C>T on the coding strand, the complement: POLE is on the minus strand). VCF-style: chr12-132664467-G-A. GRCh37 (hg19) VCF-style: chr12-133241053-G-A.
Other names: c.2469-5C>T (NM_006231.2).
Identifiers: ClinVar variation 619898 (VCV000619898.10), dbSNP rs1565961371, ClinGen allele CA913191225.
Genomic context (GRCh38, chr12:132,664,467, plus strand): 5'-TGTTGGCCCCTGTGAAGCAGACGATGCCAGCCATCTCCATGGAGTACCAGCGAGCCCTGA[G>A]AGGACACCACAAACTGGTGGGTGGGGCTGGCATGGCTCCTCCAGGGGGTATCAGAGGCAG-3'